The following is an entry in ClinVar:

ClinVar aggregate classification (germline): Uncertain significance. Review status: criteria provided, multiple submitters, no conflicts (2 of 4 stars). 2 submissions from 2 submitters: Uncertain significance (2). Last evaluated 2025-11-26.

Conditions:
Inborn genetic diseases. Identifiers: MedGen C0950123, MeSH D030342.
46,XY sex reversal 9 (SRXY9). Also called: 46,XY SEX REVERSAL, ZFPM2-RELATED. Identifiers: Orphanet 251510, MedGen C4015129, MONDO:0014480, OMIM 616067.

gnomAD v4.1: 10 of 1,612,936 alleles (0.00062%); highest among the groups gnomAD compares: Admixed American, 0.0067%; no homozygotes.

Submissions (2):

Labcorp Genetics (formerly Invitae), Labcorp
Classification: Uncertain significance for 46,XY sex reversal 9. Last evaluated: 2025-11-26. Review status: criteria provided, single submitter. Criteria: Invitae Variant Classification Sherloc (09022015). Collection method: clinical testing. Allele origin: germline.
Comment: This sequence change replaces glycine, which is neutral and non-polar, with arginine, which is basic and polar, at codon 164 of the ZFPM2 protein (p.Gly164Arg). This variant is not present in population databases (gnomAD no frequency). This variant has not been reported in the literature in individuals affected with ZFPM2-related conditions. ClinVar contains an entry for this variant (Variation ID: 3727994). An algorithm developed to predict the effect of missense changes on protein structure and function (PolyPhen-2) suggests that this variant is likely to be disruptive. In summary, the available evidence is currently insufficient to determine the role of this variant in disease. Therefore, it has been classified as a Variant of Uncertain Significance.

Ambry Genetics
Classification: Uncertain significance for Inborn genetic diseases. Last evaluated: 2025-08-01. Review status: criteria provided, single submitter. Criteria: Ambry Variant Classification Scheme 2023. Collection method: clinical testing. Allele origin: germline.

NM_012082.4(ZFPM2):c.490G>A (p.Gly164Arg)

Gene: ZFPM2 (zinc finger protein, FOG family member 2; plus strand). Cytogenetic location: 8q23.1.
Variant type: single nucleotide variant.
Coding change: c.490G>A on transcript NM_012082.4 (MANE Select); coding-DNA position 490, G replaced by A.
Protein change: p.Gly164Arg; replaces glycine 164 with arginine.
Molecular consequence: missense variant.
Genome position (GRCh38, 1-based): chr8:105,634,315, G>A. VCF-style: chr8-105634315-G-A. GRCh37 (hg19) VCF-style: chr8-106646543-G-A.
Other names: c.331G>A, p.Gly111Arg (NM_001362836.2); c.94G>A, p.Gly32Arg (NM_001362837.2); c.490G>A (NM_012082.3); short protein forms G111R, G164R, G32R.
Identifiers: ClinVar variation 3727994 (VCV003727994.3).